The following is an entry in ClinVar:

NM_016239.4(MYO15A):c.6720C>G (p.Ser2240=)

Gene: MYO15A (myosin XVA; plus strand). Cytogenetic location: 17p11.2.
Variant type: single nucleotide variant.
Coding change: c.6720C>G on transcript NM_016239.4 (MANE Select); coding-DNA position 6720, C replaced by G.
Protein change: p.Ser2240=; no amino-acid change (serine 2240 retained).
Molecular consequence: synonymous variant.
Genome position (GRCh38, 1-based): chr17:18,148,524, C>G. VCF-style: chr17-18148524-C-G. GRCh37 (hg19) VCF-style: chr17-18051838-C-G.
Identifiers: ClinVar variation 517526 (VCV000517526.12), dbSNP rs367799231, ClinGen allele CA8424669.

ClinVar aggregate classification (germline): Conflicting classifications of pathogenicity. Review status: criteria provided, conflicting classifications (1 of 4 stars). 4 submissions from 4 submitters: Uncertain significance (1); Likely benign (3). Last evaluated 2026-07-13.

Conditions:
MYO15A-related disorder. Also called: MYO15A-related condition.
Autosomal recessive nonsyndromic hearing loss 3. Also called: NEUROSENSORY NONSYNDROMIC RECESSIVE DEAFNESS 3. Identifiers: Orphanet 90636, MedGen C1838263, MONDO:0010860, OMIM 600316.

Allele frequency attached by ClinVar (database versions not stated): ESP Exome Variant Server 0.00008; gnomAD 0.00011 and 0.00012; gnomAD exomes 0.00016 and 0.00007; ExAC 0.00020; TOPMed 0.00006.
gnomAD v4.1: 128 of 1,552,752 alleles (0.0082%); highest among the groups gnomAD compares: Middle Eastern, 0.083%; no homozygotes.

Submissions (4):

PreventionGenetics, part of Exact Sciences
Classification: Likely benign for MYO15A-related condition. Last evaluated: 2026-07-13. Review status: criteria provided, single submitter. Criteria: ACMG Guidelines, 2015. Collection method: clinical testing. Allele origin: germline.
Comment: This variant is classified as likely benign based on ACMG/AMP sequence variant interpretation guidelines (Richards et al. 2015 PMID: 25741868, with internal and published modifications).

Labcorp Genetics (formerly Invitae), Labcorp
Classification: Likely benign. Last evaluated: 2024-03-05. Review status: criteria provided, single submitter. Criteria: Invitae Variant Classification Sherloc (09022015). Collection method: clinical testing. Allele origin: germline.

Illumina Laboratory Services, Illumina
Classification: Uncertain significance for Autosomal recessive nonsyndromic hearing loss 3. Last evaluated: 2018-01-12. Review status: criteria provided, single submitter. Criteria: ICSL Variant Classification Criteria 13 December 2019. Collection method: clinical testing. Allele origin: germline.

Laboratory for Molecular Medicine, Mass General Brigham Personalized Medicine
Classification: Likely benign. Last evaluated: 2017-09-02. Review status: criteria provided, single submitter. Criteria: LMM Criteria. Collection method: clinical testing. Allele origin: germline. Observed: 1 variant allele.
Comment: p.Ser2240Ser in exon 32 of MYO15A: This variant is not expected to have clinical significance because it does not alter an amino acid residue and is not located within the splice consensus sequence. It has been identified in 0.2% (13/8592) of Ashkenazi Jewish chromosomes by the Genome Aggregation Database (gnomAD; dbSNP rs367799231).